The following is an entry in ClinVar:

ClinVar aggregate classification (germline): no classifications from unflagged records (0 of 4 stars; one submission).

Conditions:
Intellectual developmental disorder, autosomal recessive 1. Also called: MENTAL RETARDATION, AUTOSOMAL RECESSIVE 1; Intellectual disability, autosomal recessive 1. Identifiers: Orphanet 88616, MedGen C1855304, MONDO:0009580, OMIM 249500.

Submission:

OMIM
Classification: Pathogenic for INTELLECTUAL DEVELOPMENTAL DISORDER, AUTOSOMAL RECESSIVE 1. Last evaluated: 2002-11-29. Review status: flagged submission. Collection method: literature only. Allele origin: germline.
ClinVar note: Notes: Flagging candidate with reason of insufficient supporting evidence. This gene has been classified as having a limited gene-disease relationship by a ClinGen Expert Panel.
ClinVar note: Reason: Other

Literature cited by the submitters: PubMed 12459588.

NM_003619.4(PRSS12):c.1355_1358del (p.Asp452fs)

Gene: PRSS12 (serine protease 12; minus strand). Cytogenetic location: 4q26.
Variant type: Deletion.
Coding change: c.1355_1358del on transcript NM_003619.4 (MANE Select); coding-DNA positions 1355 to 1358, 4 bases deleted (ACGT; older notation c.1355_1358delACGT).
Protein change: p.Asp452fs; shifts the reading frame from aspartic acid 452.
Molecular consequence: frameshift variant.
Genome position (GRCh38, 1-based): chr4:118,313,332-118,313,335, ACGT deleted on the plus strand (ACGT on the coding strand, the reverse complement: PRSS12 is on the minus strand). VCF-style (leftmost placement, unchanged base first): chr4-118313331-GACGT-G. GRCh37 (hg19) VCF-style: chr4-119234486-GACGT-G.
Other names: short protein forms D452fs.
Identifiers: ClinVar variation 4101 (VCV000004101.2), dbSNP rs876657372, ClinGen allele CA10575484.